The following is an entry in ClinVar:

ClinVar aggregate classification (germline): Conflicting classifications of pathogenicity. Review status: criteria provided, conflicting classifications (1 of 4 stars). 4 submissions from 4 submitters: Uncertain significance (3); Likely benign (1). Last evaluated 2026-05-16.

Conditions:
ZNF469-related disorder. Also called: ZNF469-related condition.
Cardiovascular phenotype. Identifiers: MedGen CN230736.

Allele frequency attached by ClinVar (database versions not stated): gnomAD exomes 0.00001 and 0.00006; TOPMed 0.00002; gnomAD 0.00003.
gnomAD v4.1: 20 of 1,549,498 alleles (0.0013%); highest among the groups gnomAD compares: Admixed American, 0.024%; no homozygotes.

Submissions (4):

PreventionGenetics, part of Exact Sciences
Classification: Uncertain significance for ZNF469-related condition. Last evaluated: 2026-05-16. Review status: criteria provided, single submitter. Criteria: ACMG Guidelines, 2015. Collection method: clinical testing. Allele origin: germline.
Comment: The ZNF469 c.6219T>A variant is predicted to result in the amino acid substitution p.Asp2073Glu. To our knowledge, this variant has not been reported in the literature. This variant is reported in 0.020% of alleles in individuals of Latino descent in gnomAD. At this time, the clinical significance of this variant is uncertain due to the absence of conclusive functional and genetic evidence.

Ambry Genetics
Classification: Likely benign for Cardiovascular phenotype. Last evaluated: 2023-11-27. Review status: criteria provided, single submitter. Criteria: Ambry Variant Classification Scheme 2023. Collection method: clinical testing. Allele origin: germline.

Labcorp Genetics (formerly Invitae), Labcorp
Classification: Uncertain significance. Last evaluated: 2022-04-29. Review status: criteria provided, single submitter. Criteria: Invitae Variant Classification Sherloc (09022015). Collection method: clinical testing. Allele origin: germline.
Comment: This sequence change replaces aspartic acid, which is acidic and polar, with glutamic acid, which is acidic and polar, at codon 2073 of the ZNF469 protein (p.Asp2073Glu). This variant is present in population databases (no rsID available, gnomAD 0.03%). This variant has not been reported in the literature in individuals affected with ZNF469-related conditions. ClinVar contains an entry for this variant (Variation ID: 1310946). Algorithms developed to predict the effect of missense changes on protein structure and function output the following: SIFT: "Tolerated"; PolyPhen-2: "Benign"; Align-GVGD: "Class C0". The glutamic acid amino acid residue is found in multiple mammalian species, which suggests that this missense change does not adversely affect protein function. In summary, the available evidence is currently insufficient to determine the role of this variant in disease. Therefore, it has been classified as a Variant of Uncertain Significance.

GeneDx
Classification: Uncertain significance. Last evaluated: 2019-12-13. Review status: criteria provided, single submitter. Criteria: GeneDx Variant Classification Process June 2021. Collection method: clinical testing. Allele origin: germline. Affected: yes.
Comment: Has not been previously published as pathogenic or benign to our knowledge; In silico analysis, which includes protein predictors and evolutionary conservation, supports that this variant does not alter protein structure/function

NM_001367624.2(ZNF469):c.6303T>A (p.Asp2101Glu)

Gene: ZNF469 (zinc finger protein 469; plus strand). Cytogenetic location: 16q24.2.
Variant type: single nucleotide variant.
Coding change: c.6303T>A on transcript NM_001367624.2 (MANE Select); coding-DNA position 6303, T replaced by A.
Protein change: p.Asp2101Glu; replaces aspartic acid 2101 with glutamic acid.
Molecular consequence: missense variant.
Genome position (GRCh38, 1-based): chr16:88,433,773, T>A. VCF-style: chr16-88433773-T-A. GRCh37 (hg19) VCF-style: chr16-88500181-T-A.
Other names: NM_001127464.1:c.6219T>A; NM_001127464.2:c.6219T>A; short protein forms D2101E.
Identifiers: ClinVar variation 1310946 (VCV001310946.5), dbSNP rs1393295095, ClinGen allele CA397105263.